The following is an entry in ClinVar:

ClinVar aggregate classification (germline): Uncertain significance (1 of 4 stars; one submission).

Conditions:
Hypogonadotropic hypogonadism 3 with or without anosmia (HH3). Also called: HYPOGONADOTROPIC HYPOGONADISM 3 WITH ANOSMIA; PROKR2-Related GnRH Deficiency (Kallmann Syndrome 3). Identifiers: Orphanet 478, MedGen C3550478, MONDO:0009482, OMIM 244200.

Allele frequency attached by ClinVar (database versions not stated): gnomAD exomes below 0.00001.
gnomAD v4.1: 5 of 1,614,206 alleles (0.00031%); highest among the groups gnomAD compares: Non-Finnish European, 0.00042%; no homozygotes.

Submission:

MVZ Medizinische Genetik Mainz
Classification: Uncertain significance for Hypogonadotropic hypogonadism 3 with or without anosmia. Last evaluated: 2021-09-24. Review status: criteria provided, single submitter. Criteria: UK Practice Guidelines For Variant Classification V4 01 2020. Collection method: clinical testing. Allele origin: germline. Inheritance: Autosomal dominant inheritance. Affected: yes. Observed: 1 variant allele.
Comment: ACMG Criteria: PM2_SUP, PP3

NM_144773.4(PROKR2):c.437T>C (p.Leu146Ser)

Gene: PROKR2 (prokineticin receptor 2; minus strand). Cytogenetic location: 20p12.3.
Variant type: single nucleotide variant.
Coding change: c.437T>C on transcript NM_144773.4 (MANE Select); coding-DNA position 437, T replaced by C.
Protein change: p.Leu146Ser; replaces leucine 146 with serine.
Molecular consequence: missense variant.
Genome position (GRCh38, 1-based): chr20:5,313,933, A>G on the plus strand (T>C on the coding strand, the complement: PROKR2 is on the minus strand). VCF-style: chr20-5313933-A-G. GRCh37 (hg19) VCF-style: chr20-5294579-A-G.
Other names: short protein forms L146S.
Identifiers: ClinVar variation 3068331 (VCV003068331.1), dbSNP rs2515240642, ClinGen allele CA408167697.